The following is an entry in ClinVar:

NM_006892.4(DNMT3B):c.389G>A (p.Arg130His)

Gene: DNMT3B (DNA methyltransferase 3 beta; plus strand). Cytogenetic location: 20q11.21.
Variant type: single nucleotide variant.
Coding change: c.389G>A on transcript NM_006892.4 (MANE Select); coding-DNA position 389, G replaced by A.
Protein change: p.Arg130His; replaces arginine 130 with histidine.
Molecular consequence: missense variant. On other transcripts: intron variant (2).
Genome position (GRCh38, 1-based): chr20:32,786,584, G>A. VCF-style: chr20-32786584-G-A. GRCh37 (hg19) VCF-style: chr20-31374390-G-A.
Other names: p.Arg130His; c.389G>A, p.Arg130His (NM_175848.2, NM_175849.2); c.425G>A, p.Arg142His (NM_175850.3); c.307-646G>A (NM_001207055.2); c.205-646G>A (NM_001207056.2); short protein forms R130H, R142H.
Identifiers: ClinVar variation 1040389 (VCV001040389.7), dbSNP rs773207465, ClinGen allele CA9810177.

ClinVar aggregate classification (germline): Uncertain significance. Review status: criteria provided, multiple submitters, no conflicts (2 of 4 stars). 2 submissions from 2 submitters: Uncertain significance (2). Last evaluated 2025-10-23.

Conditions:
Centromeric instability of chromosomes 1,9 and 16 and immunodeficiency (ICF1). Also called: CENTROMERIC INSTABILITY, IMMUNODEFICIENCY SYNDROME; IMMUNE DEFICIENCY, VARIABLE, WITH CENTROMERIC INSTABILITY OF CHROMOSOMES 1, 9, AND 16; IMMUNODEFICIENCY SYNDROME, VARIABLE; Immunodeficiency-centromeric instability-facial anomalies. Identifiers: Orphanet 2268, MedGen C0398788, MONDO:0000133.

Allele frequency attached by ClinVar (database versions not stated): gnomAD 0.00005; gnomAD exomes 0.00006; ExAC 0.00007; TOPMed 0.00007.
gnomAD v4.1: 71 of 1,613,756 alleles (0.0044%); highest among the groups gnomAD compares: South Asian, 0.014%; no homozygotes.

Submissions (2):

Mayo Clinic Laboratories, Mayo Clinic
Classification: Uncertain significance. Last evaluated: 2025-10-23. Review status: criteria provided, single submitter. Criteria: ACMG Guidelines, 2015. Collection method: clinical testing. Allele origin: germline. Observed: 1 variant allele.

Labcorp Genetics (formerly Invitae), Labcorp
Classification: Uncertain significance for Centromeric instability of chromosomes 1,9 and 16 and immunodeficiency. Last evaluated: 2021-08-27. Review status: criteria provided, single submitter. Criteria: Invitae Variant Classification Sherloc (09022015). Collection method: clinical testing. Allele origin: germline.
Comment: This sequence change replaces arginine with histidine at codon 130 of the DNMT3B protein (p.Arg130His). The arginine residue is highly conserved and there is a small physicochemical difference between arginine and histidine. This variant is present in population databases (rs773207465, ExAC 0.02%). This variant has not been reported in the literature in individuals affected with DNMT3B-related conditions. Algorithms developed to predict the effect of missense changes on protein structure and function are either unavailable or do not agree on the potential impact of this missense change (SIFT: "Deleterious"; PolyPhen-2: "Probably Damaging"; Align-GVGD: "Class C0"). In summary, the available evidence is currently insufficient to determine the role of this variant in disease. Therefore, it has been classified as a Variant of Uncertain Significance.